The following is an entry in ClinVar:

NM_001348323.3(TRIP12):c.1219G>T (p.Ala407Ser)

Gene: TRIP12 (thyroid hormone receptor interactor 12; minus strand). Cytogenetic location: 2q36.3.
Variant type: single nucleotide variant.
Coding change: c.1219G>T on transcript NM_001348323.3 (MANE Select); coding-DNA position 1219, G replaced by T.
Protein change: p.Ala407Ser; replaces alanine 407 with serine.
Molecular consequence: missense variant.
Genome position (GRCh38, 1-based): chr2:229,836,899, C>A on the plus strand (G>T on the coding strand, the complement: TRIP12 is on the minus strand). VCF-style: chr2-229836899-C-A. GRCh37 (hg19) VCF-style: chr2-230701615-C-A.
Other names: c.1219G>T, p.Ala407Ser (NM_001284214.2, NM_001348315.2, NM_001348319.1 and 13 more transcripts); c.1093G>T, p.Ala365Ser (NM_001284215.2, NM_001348316.2, NM_001348317.1 and 3 more transcripts); c.184G>T, p.Ala62Ser (NM_001284216.2); c.1132G>T, p.Ala378Ser (NM_001348332.1, NM_001348334.1); short protein forms A365S, A378S, A407S, A62S.
Identifiers: ClinVar variation 1175993 (VCV001175993.35), dbSNP rs772738587, ClinGen allele CA2153340.
Genomic context (GRCh38, chr2:229,836,899, plus strand): 5'-CCAATCTACCTGCAGCTCCTTGGGGAGCTTCATCTGTCCGAGCAGCTGAAGAATTTACTG[C>A]CTCCTGGTTGCTTTCAGGGTCTGCCATTTTCTCCTGTCGACGAGCTTCAGCTGCTCCTCT-3'
Protein context (NP_001335252.1, residues 397-417): KMADPESNQE[Ala407Ser]VNSSAARTDE

ClinVar aggregate classification (germline): Uncertain significance (1 of 4 stars; one submission).

Allele frequency attached by ClinVar (database versions not stated): gnomAD exomes 0.00001; ExAC 0.00002; gnomAD 0.00003; TOPMed 0.00003.
gnomAD v4.1: 22 of 1,605,600 alleles (0.0014%); highest among the groups gnomAD compares: Middle Eastern, 0.016%; no homozygotes.

Submission:

CeGaT Center for Human Genetics Tuebingen
Classification: Uncertain significance. Last evaluated: 2022-10-01. Review status: criteria provided, single submitter. Criteria: CeGaT Center For Human Genetics Tuebingen Variant Classification Criteria Version 2. Collection method: clinical testing. Allele origin: germline. Affected: yes. Observed: 2 variant alleles.
Comment: TRIP12: PP2, BP4